The following is an entry in ClinVar:

ClinVar aggregate classification (germline): Likely benign. Review status: criteria provided, multiple submitters, no conflicts (2 of 4 stars). 3 submissions from 3 submitters: Likely benign (3). Last evaluated 2026-02-02.

Allele frequency attached by ClinVar (database versions not stated): gnomAD 0.00005; gnomAD exomes 0.00011; TOPMed 0.00011; ExAC 0.00023.
gnomAD v4.1: 169 of 1,612,658 alleles (0.01%); highest among the groups gnomAD compares: Admixed American, 0.043%; no homozygotes.

Submissions (3):

Labcorp Genetics (formerly Invitae), Labcorp
Classification: Likely benign. Last evaluated: 2026-02-02. Review status: criteria provided, single submitter. Criteria: Invitae Variant Classification Sherloc (09022015). Collection method: clinical testing. Allele origin: germline.

Blueprint Genetics
Classification: Likely benign. Last evaluated: 2023-10-20. Review status: criteria provided, single submitter. Criteria: ACMG Guidelines, 2015. Collection method: clinical testing. Allele origin: germline.

CeGaT Center for Human Genetics Tuebingen
Classification: Likely benign. Last evaluated: 2022-08-01. Review status: criteria provided, single submitter. Criteria: CeGaT Center For Human Genetics Tuebingen Variant Classification Criteria Version 2. Collection method: clinical testing. Allele origin: germline. Affected: yes. Observed: 1 variant allele.
Comment: CACNA1B: BP4, BP7

NM_000718.4(CACNA1B):c.786C>T (p.Pro262=)

Gene: CACNA1B (calcium voltage-gated channel subunit alpha1 B; plus strand). Cytogenetic location: 9q34.3.
Variant type: single nucleotide variant.
Coding change: c.786C>T on transcript NM_000718.4 (MANE Select); coding-DNA position 786, C replaced by T.
Protein change: p.Pro262=; no amino-acid change (proline 262 retained).
Molecular consequence: synonymous variant.
Genome position (GRCh38, 1-based): chr9:137,917,251, C>T. VCF-style: chr9-137917251-C-T. GRCh37 (hg19) VCF-style: chr9-140811703-C-T.
Other names: c.786C>T, p.Pro262= (NM_001243812.2).
Identifiers: ClinVar variation 2187966 (VCV002187966.29), dbSNP rs199817628, ClinGen allele CA5375968.